The following is an entry in ClinVar:

ClinVar aggregate classification (germline): Conflicting classifications of pathogenicity. Review status: criteria provided, conflicting classifications (1 of 4 stars). 6 submissions from 6 submitters: Uncertain significance (3); Likely benign (2). 1 of the submissions does not count toward it. Last evaluated 2026-04-16.

Conditions:
DOCK8-related disorder. Also called: DOCK8-related condition.
Intellectual disability. Also called: Intellectual functioning disability; Intellectual developmental disorder; intellectual disabilities. Identifiers: MedGen C3714756, MeSH D008607, MONDO:0001071, HP:0001249.
Combined immunodeficiency due to DOCK8 deficiency (HIES2). Also called: HYPER-IgE RECURRENT INFECTION SYNDROME 2, AUTOSOMAL RECESSIVE; HIES autosomal recessive; HYPER-IgE SYNDROME 2, AUTOSOMAL RECESSIVE, WITH RECURRENT INFECTIONS; DOCK8 Deficiency; Hyper-IgE recurrent infection syndrome, autosomal recessive. Identifiers: Orphanet 217390, MedGen C4722305, MONDO:0009478, OMIM 243700.

Allele frequency attached by ClinVar (database versions not stated): gnomAD 0.00019; TOPMed 0.00021; 1000 Genomes Project 30x 0.00031; ESP Exome Variant Server 0.00031; 1000 Genomes Project 0.00040; gnomAD exomes 0.00070; ExAC 0.00072.
gnomAD v4.1: 631 of 1,613,578 alleles (0.039%); highest among the groups gnomAD compares: South Asian, 0.26%; 2 homozygotes.

Submissions (6):

Women's Health and Genetics/Laboratory Corporation of America, LabCorp
Classification: Likely benign. Last evaluated: 2026-04-16. Review status: criteria provided, single submitter. Criteria: LabCorp Variant Classification Summary - May 2015. Collection method: clinical testing. Allele origin: germline.
Comment: Variant summary: DOCK8 c.3220C>A (p.His1074Asn) results in a conservative amino acid change in the encoded protein sequence. Algorithms developed to predict the effect of missense changes on protein structure and function are either unavailable or do not agree on the potential impact of this missense change. The variant allele was found at a frequency of 0.0007 in 250848 control chromosomes, predominantly at a frequency of 0.003 within the South Asian subpopulation in the gnomAD database. The observed variant frequency within South Asian control individuals in the gnomAD database exceeds the estimated maximal expected allele frequency for disease-causing variants in DOCK8. c.3220C>A has been observed in individual(s) affected with DOCK8 deficiency, primary immunodeficiencies and severe respiratory diseases, without strong evidence for causality (Yadav_2020, Gallo_2016, Alsamri_2020). These report(s) do not provide unequivocal conclusions about association of the variant with Combined immunodeficiency due to DOCK8 deficiency. To our knowledge, no experimental evidence demonstrating an impact on protein function has been reported. The following publications have been ascertained in the context of this evaluation (PMID: 33365035, 27872624, 32662942). ClinVar contains an entry for this variant (Variation ID: 366969). Based on the evidence outlined above, the variant was classified as likely benign.

Labcorp Genetics (formerly Invitae), Labcorp
Classification: Likely benign for Combined immunodeficiency due to DOCK8 deficiency. Last evaluated: 2026-01-28. Review status: criteria provided, single submitter. Criteria: Invitae Variant Classification Sherloc (09022015). Collection method: clinical testing. Allele origin: germline.

PreventionGenetics, part of Exact Sciences
Classification: Uncertain significance for DOCK8-related condition. Last evaluated: 2025-08-20. Review status: criteria provided, single submitter. Criteria: ACMG Guidelines, 2015. Collection method: clinical testing. Allele origin: germline.
Comment: The DOCK8 c.3220C>A variant is predicted to result in the amino acid substitution p.His1074Asn. This variant was reported in a fetus of parents with primary immunodeficiency however the phenotype of the fetus was not provided and variant was assessed as of uncertain significance (Table S1, Yadav et al. 2020. PubMed ID: 33365035). This variant is reported in 0.30% of alleles in individuals of South Asian descent in gnomAD, which is higher than expected for disease causing variant. Although we suspect that this variant may be benign, at this time, the clinical significance of this variant is uncertain due to the absence of conclusive functional and genetic evidence.

CeGaT Center for Human Genetics Tuebingen
Classification: Uncertain significance. Last evaluated: 2024-07-01. Review status: criteria provided, single submitter. Criteria: CeGaT Center For Human Genetics Tuebingen Variant Classification Criteria Version 2. Collection method: clinical testing. Allele origin: germline. Affected: yes. Observed: 2 variant alleles.
Comment: DOCK8: PM2, BP4

Illumina Laboratory Services, Illumina
Classification: Uncertain significance for Combined immunodeficiency due to DOCK8 deficiency. Last evaluated: 2018-01-12. Review status: criteria provided, single submitter. Criteria: ICSL Variant Classification Criteria 13 December 2019. Collection method: clinical testing. Allele origin: germline.

Centre de Biologie Pathologie Génétique, Centre Hospitalier Universitaire de Lille
Classification: Uncertain significance for Intellectual disability. Last evaluated: 2019-01-01. Review status: no assertion criteria provided. Collection method: clinical testing. Allele origin: unknown. Affected: yes. Not counted in ClinVar's aggregate classification.

Literature cited by the submitters: PubMed 27872624 (cited by Women's Health and Genetics/Laboratory Corporation of America, LabCorp); PubMed 33365035 (cited by Women's Health and Genetics/Laboratory Corporation of America, LabCorp); PubMed 32662942 (cited by Women's Health and Genetics/Laboratory Corporation of America, LabCorp).

NM_203447.4(DOCK8):c.3220C>A (p.His1074Asn)

Gene: DOCK8 (dedicator of cytokinesis 8; plus strand). Cytogenetic location: 9p24.3.
Variant type: single nucleotide variant.
Coding change: c.3220C>A on transcript NM_203447.4 (MANE Select); coding-DNA position 3220, C replaced by A.
Protein change: p.His1074Asn; replaces histidine 1074 with asparagine.
Molecular consequence: missense variant.
Genome position (GRCh38, 1-based): chr9:399,245, C>A. VCF-style: chr9-399245-C-A. GRCh37 (hg19) VCF-style: chr9-399245-C-A.
Other names: c.2920C>A, p.His974Asn (NM_001190458.2); c.3016C>A, p.His1006Asn (NM_001193536.2); short protein forms H1074N, H1006N, H974N.
Identifiers: ClinVar variation 366969 (VCV000366969.60), dbSNP rs150298985, ClinGen allele CA4958564.